The following is an entry in ClinVar:

NM_194277.3(FRMD7):c.1532T>C (p.Ile511Thr)

Gene: FRMD7 (FERM domain containing 7; minus strand). Cytogenetic location: Xq26.2.
Variant type: single nucleotide variant.
Coding change: c.1532T>C on transcript NM_194277.3 (MANE Select); coding-DNA position 1532, T replaced by C.
Protein change: p.Ile511Thr; replaces isoleucine 511 with threonine.
Molecular consequence: missense variant.
Genome position (GRCh38, 1-based): chrX:132,078,485, A>G on the plus strand (T>C on the coding strand, the complement: FRMD7 is on the minus strand). VCF-style: chrX-132078485-A-G. GRCh37 (hg19) VCF-style: chrX-131212513-A-G.
Other names: c.1487T>C, p.Ile496Thr (NM_001306193.2); short protein forms I496T, I511T.
Identifiers: ClinVar variation 4070678 (VCV004070678.1).

ClinVar aggregate classification (germline): Uncertain significance (1 of 4 stars; one submission).

Submission:

GeneDx
Classification: Uncertain significance. Last evaluated: 2025-01-16. Review status: criteria provided, single submitter. Criteria: GeneDx Variant Classification Process June 2021. Collection method: clinical testing. Allele origin: germline. Affected: yes.
Comment: Not observed at significant frequency in large population cohorts (gnomAD); In silico analysis indicates that this missense variant does not alter protein structure/function; Has not been previously published as pathogenic or benign to our knowledge